The following is an entry in ClinVar:

ClinVar aggregate classification (germline): Uncertain significance (1 of 4 stars; one submission).

Conditions:
Lymphoproliferative syndrome 2 (LPFS2). Also called: CD27 DEFICIENCY; Combined immunodeficiency due to CD27 deficiency. Identifiers: Orphanet 238505, MedGen C3554540, MONDO:0014054, OMIM 615122.

Allele frequency attached by ClinVar (database versions not stated): gnomAD exomes below 0.00001; TOPMed below 0.00001; ExAC 0.00001; gnomAD 0.00001.

Submission:

Labcorp Genetics (formerly Invitae), Labcorp
Classification: Uncertain significance for Lymphoproliferative syndrome 2. Last evaluated: 2019-09-12. Review status: criteria provided, single submitter. Criteria: Invitae Variant Classification Sherloc (09022015). Collection method: clinical testing. Allele origin: germline.
Comment: In summary, the available evidence is currently insufficient to determine the role of this variant in disease. Therefore, it has been classified as a Variant of Uncertain Significance. Algorithms developed to predict the effect of missense changes on protein structure and function do not agree on the potential impact of this missense change (SIFT: "Deleterious"; PolyPhen-2: "Possibly Damaging"; Align-GVGD: "Class C0"). This variant has not been reported in the literature in individuals with CD27-related disease. This variant is present in population databases (rs778001062, ExAC 0.006%). This sequence change replaces valine with phenylalanine at codon 69 of the CD27 protein (p.Val69Phe). The valine residue is moderately conserved and there is a small physicochemical difference between valine and phenylalanine.

NM_001242.5(CD27):c.205G>T (p.Val69Phe)

Genes: CD27 (CD27 molecule; plus strand), CD27-AS1 (CD27 antisense RNA 1; minus strand). Cytogenetic location: 12p13.31.
Variant type: single nucleotide variant.
Coding change: c.205G>T on transcript NM_001242.5 (MANE Select); coding-DNA position 205, G replaced by T.
Protein change: p.Val69Phe; replaces valine 69 with phenylalanine.
Molecular consequence: missense variant.
Genome position (GRCh38, 1-based): chr12:6,445,492, G>T. VCF-style: chr12-6445492-G-T. GRCh37 (hg19) VCF-style: chr12-6554658-G-T.
Other names: short protein forms V69F.
Identifiers: ClinVar variation 956186 (VCV000956186.10), dbSNP rs778001062, ClinGen allele CA6406902.